The following is an entry in ClinVar:

NM_001372044.2(SHANK3):c.1613C>T (p.Pro538Leu)

Gene: SHANK3 (SH3 and multiple ankyrin repeat domains 3; plus strand). Cytogenetic location: 22q13.33.
Variant type: single nucleotide variant.
Coding change: c.1613C>T on transcript NM_001372044.2 (MANE Select); coding-DNA position 1613, C replaced by T.
Protein change: p.Pro538Leu; replaces proline 538 with leucine.
Molecular consequence: missense variant.
Genome position (GRCh38, 1-based): chr22:50,697,605, C>T. VCF-style: chr22-50697605-C-T. GRCh37 (hg19) VCF-style: chr22-51136033-C-T.
Other names: c.1388C>T (NM_033517.1); short protein forms P538L.
Identifiers: ClinVar variation 1314699 (VCV001314699.3), dbSNP rs2146799027, ClinGen allele CA515254962.

ClinVar aggregate classification (germline): Uncertain significance (1 of 4 stars; one submission).

Submission:

GeneDx
Classification: Uncertain significance. Last evaluated: 2024-01-22. Review status: criteria provided, single submitter. Criteria: GeneDx Variant Classification Process June 2021. Collection method: clinical testing. Allele origin: germline. Affected: yes.
Comment: Not observed at significant frequency in large population cohorts (gnomAD); In silico analysis supports that this missense variant has a deleterious effect on protein structure/function; In-silico analysis, which includes splice predictors and evolutionary conservation, is inconclusive as to whether the variant alters gene splicing. In the absence of RNA/functional studies, the actual effect of this sequence change is unknown.; Has not been previously published as pathogenic or benign to our knowledge